The following is an entry in ClinVar:

ClinVar aggregate classification (germline): Uncertain significance. Review status: criteria provided, multiple submitters, no conflicts (2 of 4 stars). 4 submissions from 3 submitters: Uncertain significance (4). Last evaluated 2025-06-02.

Conditions:
Congenital multicore myopathy with external ophthalmoplegia (CMYO1B). Also called: MULTICORE MYOPATHY; MULTIMINICORE DISEASE WITH EXTERNAL OPHTHALMOPLEGIA; Minicore myopathy with external ophthalmoplegia; Congenital myopathy 1B, autosomal recessive; Minicore myopathy. Identifiers: Orphanet 598, Orphanet 98905, MedGen C1850674, MONDO:0009712, OMIM 255320, HP:0003789.
Malignant hyperthermia, susceptibility to, 1 (MHS1). Also called: Anesthesia related hyperthermia; Malignant hyperpyrexia; Fulminating hyperpyrexia; Pharmacogenic myopathy; RYR1-Related Malignant Hyperthermia Susceptibility; Malignant hyperthermia suceptibility 1. Identifiers: Orphanet 423, MedGen C2930980, MONDO:0007783, OMIM 145600.

Allele frequency attached by ClinVar (database versions not stated): gnomAD exomes 0.00001.
gnomAD v4.1: 9 of 1,613,872 alleles (0.00056%); highest among the groups gnomAD compares: Middle Eastern, 0.017%; no homozygotes.

Submissions (4):

Color Diagnostics, LLC DBA Color Health
Classification: Uncertain significance for Malignant hyperthermia, susceptibility to, 1. Last evaluated: 2025-06-02. Review status: criteria provided, single submitter. Criteria: ACMG Guidelines, 2015. Collection method: clinical testing. Allele origin: germline.
Comment: This missense variant replaces arginine with cysteine at codon 3707 of the RYR1 protein. Computational prediction suggests that this variant may have deleterious impact on protein structure and function. To our knowledge, functional studies have not been reported for this variant. This variant has not been reported in individuals affected with RYR1-related disorders in the literature. This variant has been identified in 3/248688 chromosomes in the general population by the Genome Aggregation Database (gnomAD). The same amino acid change resulting from a different DNA substitution (c.11120G>T) has been observed in an individual with malignant hyperthermia susceptibility (PMID: 16917943). The available evidence is insufficient to determine the role of this variant in disease conclusively. Therefore, this variant is classified as a Variant of Uncertain Significance.

All of Us Research Program, National Institutes of Health
Classification: Uncertain significance for Malignant hyperthermia, susceptibility to, 1. Last evaluated: 2024-04-10. Review status: criteria provided, single submitter. Criteria: ACMG Guidelines, 2015. Collection method: clinical testing. Allele origin: germline. Inheritance: Autosomal dominant inheritance. Observed: 2 variant alleles, 2 heterozygotes.
Comment: This missense variant replaces arginine with cysteine at codon 3707 of the RYR1 protein. Computational prediction suggests that this variant may have deleterious impact on protein structure and function (internally defined REVEL score threshold >= 0.7, PMID: 27666373). To our knowledge, functional studies have not been reported for this variant. This variant has not been reported in individuals affected with RYR1-related disorders in the literature. This variant has been identified in 3/248688 chromosomes in the general population by the Genome Aggregation Database (gnomAD). The available evidence is insufficient to determine the role of this variant in disease conclusively. Therefore, this variant is classified as a Variant of Uncertain Significance.

This study involves interpretation of variants in research participants for the purpose of population health screening. Participant phenotype was not available at the time of variant classification. Additional details can be found in publication PMID: 35346344, PMCID: PMC8962531

Illumina Laboratory Services, Illumina
Classification: Uncertain significance for Malignant hyperthermia, susceptibility to, 1. Last evaluated: 2017-09-21. Review status: criteria provided, single submitter. Criteria: ICSL Variant Classification Criteria 13 December 2019. Collection method: clinical testing. Allele origin: germline.
Comment: This variant was observed as part of a predisposition screen in an ostensibly healthy population. A literature search was performed for the gene, cDNA change, and amino acid change (where applicable). Publications were found based on this search. However, the evidence from the literature, in combination with allele frequency data from public databases where available, was not sufficient to rule this variant in or out of causing disease. Therefore, this variant is classified as a variant of unknown significance.

Illumina Laboratory Services, Illumina
Classification: Uncertain significance for Congenital multicore myopathy with external ophthalmoplegia. Last evaluated: 2017-04-27. Review status: criteria provided, single submitter. Criteria: ICSL Variant Classification Criteria 13 December 2019. Collection method: clinical testing. Allele origin: germline.

Literature cited by the submitters: PubMed 16917943 (cited by Color Diagnostics, LLC DBA Color Health and Illumina Laboratory Services, Illumina).

NM_000540.3(RYR1):c.11119C>T (p.Arg3707Cys)

Gene: RYR1 (ryanodine receptor 1; plus strand). Cytogenetic location: 19q13.2.
Variant type: single nucleotide variant.
Coding change: c.11119C>T on transcript NM_000540.3 (MANE Select); coding-DNA position 11119, C replaced by T.
Protein change: p.Arg3707Cys; replaces arginine 3707 with cysteine.
Molecular consequence: missense variant.
Genome position (GRCh38, 1-based): chr19:38,529,035, C>T. VCF-style: chr19-38529035-C-T. GRCh37 (hg19) VCF-style: chr19-39019675-C-T.
Other names: c.11104C>T, p.Arg3702Cys (NM_001042723.2); short protein forms R3702C, R3707C.
Identifiers: ClinVar variation 894611 (VCV000894611.7), dbSNP rs781379239, ClinGen allele CA405650386.